The following is an entry in ClinVar:

NM_033337.3(CAV3):c.220C>G (p.Arg74Gly)

Genes: CAV3 (caveolin 3; plus strand), OXTR (oxytocin receptor; minus strand). Cytogenetic location: 3p25.3.
Variant type: single nucleotide variant.
Coding change: c.220C>G on transcript NM_033337.3 (MANE Select); coding-DNA position 220, C replaced by G.
Protein change: p.Arg74Gly; replaces arginine 74 with glycine.
Molecular consequence: missense variant.
Genome position (GRCh38, 1-based): chr3:8,745,631, C>G. VCF-style: chr3-8745631-C-G. GRCh37 (hg19) VCF-style: chr3-8787317-C-G.
Other names: c.220C>G, p.Arg74Gly (NM_001234.5); short protein forms R74G.
Identifiers: ClinVar variation 1525848 (VCV001525848.8), dbSNP rs780407324, ClinGen allele CA351663325.

ClinVar aggregate classification (germline): Uncertain significance (1 of 4 stars; one submission).

Conditions:
Long QT syndrome (LQTS). Identifiers: MedGen C0023976, MeSH D008133, MONDO:0002442. Disease mechanism: loss of function. Inheritance: Various modes of inheritance.

Submission:

Labcorp Genetics (formerly Invitae), Labcorp
Classification: Uncertain significance for Long QT syndrome. Last evaluated: 2020-11-06. Review status: criteria provided, single submitter. Criteria: Invitae Variant Classification Sherloc (09022015). Collection method: clinical testing. Allele origin: germline.
Comment: In summary, the available evidence is currently insufficient to determine the role of this variant in disease. Therefore, it has been classified as a Variant of Uncertain Significance. Algorithms developed to predict the effect of missense changes on protein structure and function (SIFT, PolyPhen-2, Align-GVGD) all suggest that this variant is likely to be disruptive, but these predictions have not been confirmed by published functional studies and their clinical significance is uncertain. This variant has not been reported in the literature in individuals with CAV3-related conditions. This variant is not present in population databases (ExAC no frequency). This sequence change replaces arginine with glycine at codon 74 of the CAV3 protein (p.Arg74Gly). The arginine residue is highly conserved and there is a moderate physicochemical difference between arginine and glycine.